The following is an entry in ClinVar:

ClinVar aggregate classification (germline): Uncertain significance (1 of 4 stars; one submission).

Submission:

Labcorp Genetics (formerly Invitae), Labcorp
Classification: Uncertain significance. Last evaluated: 2025-01-30. Review status: criteria provided, single submitter. Criteria: Invitae Variant Classification Sherloc (09022015). Collection method: clinical testing. Allele origin: germline.
Comment: This sequence change replaces glycine, which is neutral and non-polar, with aspartic acid, which is acidic and polar, at codon 157 of the OAS1 protein (p.Gly157Asp). This variant is not present in population databases (gnomAD no frequency). This variant has not been reported in the literature in individuals affected with OAS1-related conditions. An algorithm developed to predict the effect of missense changes on protein structure and function (PolyPhen-2) suggests that this variant is likely to be tolerated. Algorithms developed to predict the effect of sequence changes on RNA splicing suggest that this variant may create or strengthen a splice site. In summary, the available evidence is currently insufficient to determine the role of this variant in disease. Therefore, it has been classified as a Variant of Uncertain Significance.

NM_016816.4(OAS1):c.470G>A (p.Gly157Asp)

Gene: OAS1 (2'-5'-oligoadenylate synthetase 1; plus strand). Cytogenetic location: 12q24.13.
Variant type: single nucleotide variant.
Coding change: c.470G>A on transcript NM_016816.4 (MANE Select); coding-DNA position 470, G replaced by A.
Protein change: p.Gly157Asp; replaces glycine 157 with aspartic acid.
Molecular consequence: missense variant. On other transcripts: non-coding transcript variant (5), intron variant (9).
Genome position (GRCh38, 1-based): chr12:112,911,051, G>A. VCF-style: chr12-112911051-G-A. GRCh37 (hg19) VCF-style: chr12-113348856-G-A.
Other names: c.470G>A, p.Gly157Asp (NM_001032409.3, NM_001320151.2, NM_001406022.1 and 1 more transcripts); c.470-47G>A (NM_001406025.1, NM_001406024.1, NM_001406023.1 and 2 more transcripts); c.180+3832G>A (NM_001406030.1, NM_001406029.1, NM_001406027.1 and 1 more transcripts); short protein forms G157D.
Identifiers: ClinVar variation 4701651 (VCV004701651.1).